The following is an entry in ClinVar:

ClinVar aggregate classification (germline): Uncertain significance (1 of 4 stars; one submission).

Submission:

CeGaT Center for Human Genetics Tuebingen
Classification: Uncertain significance. Last evaluated: 2026-06-01. Review status: criteria provided, single submitter. Criteria: CeGaT Center For Human Genetics Tuebingen Variant Classification Criteria Version 2. Collection method: clinical testing. Allele origin: germline. Affected: yes. Observed: 1 variant allele.
Comment: CEBPA: PM2

NM_004364.5(CEBPA):c.61A>T (p.Ser21Cys)

Gene: CEBPA (CCAAT enhancer binding protein alpha; minus strand). Cytogenetic location: 19q13.11.
Variant type: single nucleotide variant.
Coding change: c.61A>T on transcript NM_004364.5 (MANE Select); coding-DNA position 61, A replaced by T.
Protein change: p.Ser21Cys; replaces serine 21 with cysteine.
Molecular consequence: missense variant. On other transcripts: 5 prime UTR variant (1).
Genome position (GRCh38, 1-based): chr19:33,302,354, T>A on the plus strand (A>T on the coding strand, the complement: CEBPA is on the minus strand). VCF-style: chr19-33302354-T-A. GRCh37 (hg19) VCF-style: chr19-33793260-T-A.
Other names: c.-297A>T (NM_001285829.2); c.166A>T, p.Ser56Cys (NM_001287424.2); c.19A>T, p.Ser7Cys (NM_001287435.2); short protein forms S21C, S56C, S7C.
Identifiers: ClinVar variation 4875283 (VCV004875283.2).
Genomic context (GRCh38, chr19:33,302,354, plus strand): 5'-GCGCGGGGCCCGCGCCCCGGGGAAAGCCGAAGGCGGCGCTGCTGGGCGCGTGCGGGGGGC[T>A]CTGCAGGTGGCTGCTCATCGGGGGCCGCGGCTCCGCCTCGTAGAAGTCGGCCGACTCCAT-3'
Protein context (NP_004355.2, residues 11-31): PRPPMSSHLQ[Ser21Cys]PPHAPSSAAF